The following is an entry in ClinVar:

NM_033380.3(COL4A5):c.4465del (p.Val1489fs)

Gene: COL4A5 (collagen type IV alpha 5 chain; plus strand). Cytogenetic location: Xq22.3.
Variant type: Deletion.
Coding change: c.4465del on transcript NM_033380.3 (MANE Select); coding-DNA position 4465, one base deleted (G; older notation c.4465delG).
Protein change: p.Val1489fs; shifts the reading frame from valine 1489.
Molecular consequence: frameshift variant.
Genome position (GRCh38, 1-based): chrX:108,687,631, G deleted; the last of 2 consecutive G bases (chrX:108,687,630-108,687,631); deleting either gives the same sequence. VCF-style (leftmost placement, unchanged base first): chrX-108687629-AG-A. GRCh37 (hg19) VCF-style: chrX-107930859-AG-A.
Other names: c.4447del, p.Val1483fs (NM_000495.5); short protein forms V1483fs, V1489fs.
Identifiers: ClinVar variation 4717927 (VCV004717927.1).

ClinVar aggregate classification (germline): Pathogenic (1 of 4 stars; one submission).

Submission:

Labcorp Genetics (formerly Invitae), Labcorp
Classification: Pathogenic. Last evaluated: 2025-12-06. Review status: criteria provided, single submitter. Criteria: Invitae Variant Classification Sherloc (09022015). Collection method: clinical testing. Allele origin: germline.
Comment: This sequence change creates a premature translational stop signal (p.Val1483Serfs*65) in the COL4A5 gene. It is expected to result in an absent or disrupted protein product. Loss-of-function variants in COL4A5 are known to be pathogenic (PMID: 9195222, 10752524, 14514738, 24854265, 26809805). This variant is not present in population databases (gnomAD no frequency). This variant has not been reported in the literature in individuals affected with COL4A5-related conditions. For these reasons, this variant has been classified as Pathogenic.

Literature cited by the submitters: PubMed 9195222; PubMed 10752524; PubMed 14514738; PubMed 24854265; PubMed 26809805.